The following is an entry in ClinVar:

ClinVar aggregate classification (germline): Uncertain significance (1 of 4 stars; one submission).

Conditions:
Inborn genetic diseases. Identifiers: MedGen C0950123, MeSH D030342.

gnomAD v4.1: 1 of 1,613,920 alleles (0.000062%); no homozygotes.

Submission:

Ambry Genetics
Classification: Uncertain significance for Inborn genetic diseases. Last evaluated: 2021-08-25. Review status: criteria provided, single submitter. Criteria: Ambry Variant Classification Scheme 2023. Collection method: clinical testing. Allele origin: germline.
Comment: The p.P1377L variant (also known as c.4130C>T), located in coding exon 29 of the LRRK2 gene, results from a C to T substitution at nucleotide position 4130. The proline at codon 1377 is replaced by leucine, an amino acid with similar properties. This amino acid position is conserved. In addition, this alteration is predicted to be tolerated by in silico analysis. Since supporting evidence is limited at this time, the clinical significance of this alteration remains unclear.

NM_198578.4(LRRK2):c.4130C>T (p.Pro1377Leu)

Gene: LRRK2 (leucine rich repeat kinase 2; plus strand). Cytogenetic location: 12q12.
Variant type: single nucleotide variant.
Coding change: c.4130C>T on transcript NM_198578.4 (MANE Select); coding-DNA position 4130, C replaced by T.
Protein change: p.Pro1377Leu; replaces proline 1377 with leucine.
Molecular consequence: missense variant.
Genome position (GRCh38, 1-based): chr12:40,308,637, C>T. VCF-style: chr12-40308637-C-T. GRCh37 (hg19) VCF-style: chr12-40702439-C-T.
Other names: short protein forms P1377L.
Identifiers: ClinVar variation 1738086 (VCV001738086.2), dbSNP rs2499813340, ClinGen allele CA384417821.